The following is an entry in ClinVar:

NM_001430.5(EPAS1):c.1968T>G (p.Asp656Glu)

Gene: EPAS1 (endothelial PAS domain protein 1; plus strand). Cytogenetic location: 2p21.
Variant type: single nucleotide variant.
Coding change: c.1968T>G on transcript NM_001430.5 (MANE Select); coding-DNA position 1968, T replaced by G.
Protein change: p.Asp656Glu; replaces aspartic acid 656 with glutamic acid.
Molecular consequence: missense variant.
Genome position (GRCh38, 1-based): chr2:46,380,640, T>G. VCF-style: chr2-46380640-T-G. GRCh37 (hg19) VCF-style: chr2-46607779-T-G.
Other names: short protein forms D656E.
Identifiers: ClinVar variation 1783559 (VCV001783559.2), dbSNP rs2546477815, ClinGen allele CA346705255.

ClinVar aggregate classification (germline): Uncertain significance (1 of 4 stars; one submission).

Conditions:
Inborn genetic diseases. Identifiers: MedGen C0950123, MeSH D030342.

Submission:

Ambry Genetics
Classification: Uncertain significance for Inborn genetic diseases. Last evaluated: 2021-07-04. Review status: criteria provided, single submitter. Criteria: Ambry Variant Classification Scheme 2023. Collection method: clinical testing. Allele origin: germline.
Comment: The p.D656E variant (also known as c.1968T>G), located in coding exon 12 of the EPAS1 gene, results from a T to G substitution at nucleotide position 1968. The aspartic acid at codon 656 is replaced by glutamic acid, an amino acid with highly similar properties. This amino acid position is conserved. In addition, this alteration is predicted to be tolerated by in silico analysis. Since supporting evidence is limited at this time, the clinical significance of this alteration remains unclear.